The following is an entry in ClinVar:

NM_170784.3(MKKS):c.1304A>T (p.Asp435Val)

Gene: MKKS (MKKS centrosomal shuttling protein; minus strand). Cytogenetic location: 20p12.2.
Variant type: single nucleotide variant.
Coding change: c.1304A>T on transcript NM_170784.3 (MANE Select); coding-DNA position 1304, A replaced by T.
Protein change: p.Asp435Val; replaces aspartic acid 435 with valine.
Molecular consequence: missense variant. On other transcripts: non-coding transcript variant (1).
Genome position (GRCh38, 1-based): chr20:10,405,656, T>A on the plus strand (A>T on the coding strand, the complement: MKKS is on the minus strand). VCF-style: chr20-10405656-T-A. GRCh37 (hg19) VCF-style: chr20-10386304-T-A.
Other names: c.1304A>T (NM_018848.2); c.1304A>T, p.Asp435Val (NM_018848.3); short protein forms D435V.
Identifiers: ClinVar variation 2083010 (VCV002083010.3), dbSNP rs745476713, ClinGen allele CA9763500.

ClinVar aggregate classification (germline): Uncertain significance. Review status: criteria provided, multiple submitters, no conflicts (2 of 4 stars). 3 submissions from 3 submitters: Uncertain significance (3). Last evaluated 2025-09-05.

Conditions:
Inborn genetic diseases. Identifiers: MedGen C0950123, MeSH D030342.
Bardet-Biedl syndrome (BBS). Identifiers: Orphanet 110, MedGen C0752166, MONDO:0015229.
McKusick-Kaufman syndrome (MKKS). Also called: HYDROMETROCOLPOS SYNDROME; HYDROMETROCOLPOS, POSTAXIAL POLYDACTYLY, AND CONGENITAL HEART MALFORMATION. Identifiers: Orphanet 2473, MedGen C0948368, MONDO:0009367, OMIM 236700.
Bardet-Biedl syndrome 6 (BBS6). Identifiers: Orphanet 110, MedGen C1858054, MONDO:0011523, OMIM 605231.

Allele frequency attached by ClinVar (database versions not stated): ExAC 0.00002; TOPMed 0.00003; gnomAD 0.00004.

Submissions (3):

Ambry Genetics
Classification: Uncertain significance for Inborn genetic diseases. Last evaluated: 2025-09-05. Review status: criteria provided, single submitter. Criteria: Ambry Variant Classification Scheme 2023. Collection method: clinical testing. Allele origin: germline.

Fulgent Genetics
Classification: Uncertain significance for McKusick-Kaufman syndrome; Bardet-Biedl syndrome 6. Last evaluated: 2024-03-14. Review status: criteria provided, single submitter. Criteria: ACMG Guidelines, 2015. Collection method: clinical testing. Allele origin: germline.

Labcorp Genetics (formerly Invitae), Labcorp
Classification: Uncertain significance for McKusick-Kaufman syndrome; Bardet-Biedl syndrome. Last evaluated: 2022-08-23. Review status: criteria provided, single submitter. Criteria: Invitae Variant Classification Sherloc (09022015). Collection method: clinical testing. Allele origin: germline.
Comment: This sequence change replaces aspartic acid, which is acidic and polar, with valine, which is neutral and non-polar, at codon 435 of the MKKS protein (p.Asp435Val). This variant is present in population databases (rs745476713, gnomAD 0.02%). This variant has not been reported in the literature in individuals affected with MKKS-related conditions. Algorithms developed to predict the effect of missense changes on protein structure and function output the following: SIFT: "Deleterious"; PolyPhen-2: "Benign"; Align-GVGD: "Class C0". The valine amino acid residue is found in multiple mammalian species, which suggests that this missense change does not adversely affect protein function. In summary, the available evidence is currently insufficient to determine the role of this variant in disease. Therefore, it has been classified as a Variant of Uncertain Significance.